The following is an entry in ClinVar:

ClinVar aggregate classification (germline): Uncertain significance. Review status: criteria provided, multiple submitters, no conflicts (2 of 4 stars). 2 submissions from 2 submitters: Uncertain significance (2). Last evaluated 2024-06-07.

Allele frequency attached by ClinVar (database versions not stated): gnomAD exomes below 0.00001; TOPMed below 0.00001.
gnomAD v4.1: 1 of 1,611,124 alleles (0.000062%); highest among the groups gnomAD compares: African/African-American, 0.0013%; no homozygotes.

Submissions (2):

Ambry Genetics
Classification: Uncertain significance. Last evaluated: 2024-06-07. Review status: criteria provided, single submitter. Criteria: Ambry Variant Classification Scheme 2023. Collection method: clinical testing. Allele origin: germline.
Comment: The p.R644I variant (also known as c.1931G>T), located in coding exon 14 of the RECQL gene, results from a G to T substitution at nucleotide position 1931. The arginine at codon 644 is replaced by isoleucine, an amino acid with similar properties. This amino acid position is conserved. In addition, this alteration is predicted to be tolerated by in silico analysis. Since supporting evidence is limited at this time, the clinical significance of this alteration remains unclear.

Quest Diagnostics Nichols Institute San Juan Capistrano
Classification: Uncertain significance. Last evaluated: 2023-06-03. Review status: criteria provided, single submitter. Criteria: Quest Diagnostics criteria. Collection method: clinical testing. Allele origin: unknown.
Comment: This variant has not been reported in the published literature. The frequency of this variant in the general population, 0.000004 (1/249850 chromosomes (Genome Aggregation Database)), is uninformative in the assessment of its pathogenicity. Analysis of this variant using bioinformatics tools for the prediction of the effect of amino acid changes on protein structure and function yielded predictions that this variant is benign. Based on the available information, we are unable to determine the clinical significance of this variant.

NM_002907.4(RECQL):c.1931G>T (p.Arg644Ile)

Genes: PYROXD1 (pyridine nucleotide-disulphide oxidoreductase domain 1; plus strand), RECQL (RecQ like helicase; minus strand). Cytogenetic location: 12p12.1.
Variant type: single nucleotide variant.
Coding change: c.1931G>T on transcript NM_002907.4 (MANE Select); coding-DNA position 1931, G replaced by T.
Protein change: p.Arg644Ile; replaces arginine 644 with isoleucine.
Molecular consequence: missense variant. On other transcripts: 3 prime UTR variant (3).
Genome position (GRCh38, 1-based): chr12:21,470,213, C>A on the plus strand (G>T on the coding strand, the complement: RECQL is on the minus strand). VCF-style: chr12-21470213-C-A. GRCh37 (hg19) VCF-style: chr12-21623147-C-A.
Other names: c.*1459C>A (NM_001350912.2, NM_001350913.2, NM_024854.5); c.1931G>T, p.Arg644Ile (NM_032941.3); short protein forms R644I.
Identifiers: ClinVar variation 1782896 (VCV001782896.4), dbSNP rs751738687, ClinGen allele CA384113518.